The following is an entry in ClinVar:

ClinVar aggregate classification (germline): Benign (1 of 4 stars; one submission).

Allele frequency attached by ClinVar (database versions not stated): TOPMed 0.05985; gnomAD 0.05380 and 0.05641; 1000 Genomes Project 0.05671; 1000 Genomes Project 30x 0.05746.

Submission:

GeneDx
Classification: Benign. Last evaluated: 2018-06-14. Review status: criteria provided, single submitter. Criteria: GeneDx Variant Classification (06012015). Collection method: clinical testing. Allele origin: germline. Affected: yes.
Comment: This variant is considered likely benign or benign based on one or more of the following criteria: it is a conservative change, it occurs at a poorly conserved position in the protein, it is predicted to be benign by multiple in silico algorithms, and/or has population frequency not consistent with disease.

NM_001182.4(ALDH7A1):c.-409G>A

Gene: ALDH7A1 (aldehyde dehydrogenase 7 family member A1; minus strand). Cytogenetic location: 5q23.2.
Variant type: single nucleotide variant.
Coding change: c.-409G>A on transcript NM_001182.4; 409 bases upstream of the start codon, G replaced by A.
Genome position (GRCh38, 1-based): chr5:126,595,607, C>T on the plus strand (G>A on the coding strand, the complement: ALDH7A1 is on the minus strand). VCF-style: chr5-126595607-C-T. GRCh37 (hg19) VCF-style: chr5-125931299-C-T.
Identifiers: ClinVar variation 669745 (VCV000669745.3), dbSNP rs78215820, ClinGen allele CA126928171.